The following is an entry in ClinVar:

ClinVar aggregate classification (germline): Conflicting classifications of pathogenicity. Review status: criteria provided, conflicting classifications (1 of 4 stars). 2 submissions from 2 submitters: Likely pathogenic (1); Uncertain significance (1). Last evaluated 2024-10-12.

Allele frequency attached by ClinVar (database versions not stated): gnomAD exomes below 0.00001 and 0.00001; gnomAD 0.00001.
gnomAD v4.1: 10 of 1,614,060 alleles (0.00062%); highest among the groups gnomAD compares: South Asian, 0.0099%; no homozygotes.

Submissions (2):

Labcorp Genetics (formerly Invitae), Labcorp
Classification: Uncertain significance. Last evaluated: 2024-10-12. Review status: criteria provided, single submitter. Criteria: Invitae Variant Classification Sherloc (09022015). Collection method: clinical testing. Allele origin: germline.
Comment: This sequence change replaces phenylalanine, which is neutral and non-polar, with leucine, which is neutral and non-polar, at codon 395 of the TWNK protein (p.Phe395Leu). This variant is present in population databases (no rsID available, gnomAD 0.003%). This missense change has been observed in individual(s) with clinical features of autosomal recessive TWNK-related conditions (PMID: 23375728). It has also been observed to segregate with disease in related individuals. ClinVar contains an entry for this variant (Variation ID: 432118). Invitae Evidence Modeling of protein sequence and biophysical properties (such as structural, functional, and spatial information, amino acid conservation, physicochemical variation, residue mobility, and thermodynamic stability) has been performed for this missense variant. However, the output from this modeling did not meet the statistical confidence thresholds required to predict the impact of this variant on TWNK protein function. In summary, the available evidence is currently insufficient to determine the role of this variant in disease. Therefore, it has been classified as a Variant of Uncertain Significance.

GeneDx
Classification: Likely pathogenic. Last evaluated: 2016-04-21. Review status: criteria provided, single submitter. Criteria: GeneDx Variant Classification (06012015). Collection method: clinical testing. Allele origin: germline. Affected: yes.
Comment: The F395L variant has been previously reported as homozygous in three siblings with multisytemic failure and early death; unaffected siblings and parents were heterozygous for the variant (Prasad et al., 2012). The F395L variant was not observed in approximately 6500 individuals of European and African American ancestry in the NHLBI Exome Sequencing Project, indicating it is not a common benign variant in these populations. The F395L variant is a conservative amino acid substitution, which is not likely to impact secondary protein structure as these residues share similar properties. This substitution occurs at a position that is conserved across species. In silico analysis is inconsistent in its predictions as to whether or not the variant is damaging to the protein structure/function. Missense variants in nearby residues (R391H and R400C ) have been reported in the Human Gene Mutation Database in association with Perrault syndrome with neurological features and complex I deficiency (Stenson et al., 2014), supporting the functional importance of this region of the protein. Therefore, this variant is likely pathogenic; however, the possibility that it is benign cannot be excluded.

Literature cited by the submitters: PubMed 23375728 (cited by Labcorp Genetics (formerly Invitae), Labcorp).

NM_021830.5(TWNK):c.1183T>C (p.Phe395Leu)

Gene: TWNK (twinkle mtDNA helicase; plus strand). Cytogenetic location: 10q24.31.
Variant type: single nucleotide variant.
Coding change: c.1183T>C on transcript NM_021830.5 (MANE Select); coding-DNA position 1183, T replaced by C.
Protein change: p.Phe395Leu; replaces phenylalanine 395 with leucine.
Molecular consequence: missense variant. On other transcripts: non-coding transcript variant (4), intron variant (3).
Genome position (GRCh38, 1-based): chr10:100,989,393, T>C. VCF-style: chr10-100989393-T-C. GRCh37 (hg19) VCF-style: chr10-102749150-T-C.
Other names: c.1183T>C, p.Phe395Leu (NM_001163812.2); c.-119-251T>C (NM_001163814.2, NM_001163813.2); c.-57-313T>C (NM_001368275.1); short protein forms F395L.
Identifiers: ClinVar variation 432118 (VCV000432118.4), dbSNP rs1440229445, ClinGen allele CA378210011.